The following is an entry in ClinVar:

ClinVar aggregate classification (germline): Uncertain significance. Review status: criteria provided, single submitter (1 of 4 stars). 2 submissions from 2 submitters: Uncertain significance (1). 1 of the submissions does not count toward it. Last evaluated 2020-02-29.

Conditions:
Hereditary breast ovarian cancer syndrome. Also called: Hereditary breast and/or ovarian cancer syndrome; Breast and ovarian cancer; Hereditary breast and ovarian cancer syndrome; Hereditary breast and ovarian cancer; Hereditary breast and ovarian cancer syndrome (HBOC); BRCA1- and BRCA2-Associated Hereditary Breast and Ovarian Cancer. Identifiers: Orphanet 145, MedGen C0677776, MeSH D061325, MONDO:0003582. Disease mechanism: loss of function.
Breast-ovarian cancer, familial, susceptibility to, 1 (BROVCA1). Also called: BRCA1 Hereditary Breast and Ovarian Cancer; OVARIAN CANCER, SUSCEPTIBILITY TO. Identifiers: Orphanet 145, MedGen C2676676, MONDO:0011450, OMIM 604370. Disease mechanism: loss of function.

Submissions (3):

Labcorp Genetics (formerly Invitae), Labcorp
Classification: Uncertain significance for Hereditary breast ovarian cancer syndrome. Last evaluated: 2020-02-29. Review status: criteria provided, single submitter. Criteria: Invitae Variant Classification Sherloc (09022015). Collection method: clinical testing. Allele origin: germline.
Comment: This sequence change falls in intron 4 of the BRCA1 gene. It does not directly change the encoded amino acid sequence of the BRCA1 protein, but it affects a nucleotide within the consensus splice site of the intron. This variant is not present in population databases (ExAC no frequency). This variant has been reported in individuals in the Breast Cancer Information Core database (PMID: 10923033). ClinVar contains an entry for this variant (Variation ID: 125616). Nucleotide substitutions within the consensus splice site are a relatively common cause of aberrant splicing (PMID: 17576681, 9536098). Experimental studies have shown that this variant disrupts mRNA splicing and/or protein function (PMID: 30209399). In summary, the available evidence is currently insufficient to determine the role of this variant in disease. Therefore, it has been classified as a Variant of Uncertain Significance.

Breast Cancer Information Core (BIC) (BRCA1)
Classification: Pathogenic for Breast-ovarian cancer, familial 1. Last evaluated: 2004-11-25. Review status: no assertion criteria provided. Collection method: clinical testing. Allele origin: germline. Affected: yes. Observed: 1 variant allele. Not counted in ClinVar's aggregate classification.

Brotman Baty Institute, University of Washington
No classification provided (evidence only). Condition: Breast-ovarian cancer, familial 1. Review status: no classification provided. Collection method: in vitro. Allele origin: not applicable. Functional consequence: functionally_abnormal. Not counted in ClinVar's aggregate classification.
ClinVar note: "not provided" was previously submitted as the classification for the variant. However, the classification appeared to be based only on an observation of functional data so it was converted to no classification on 2025-07-30.

Literature cited by the submitters: PubMed 10923033 (cited by Labcorp Genetics (formerly Invitae), Labcorp); PubMed 17576681 (cited by Labcorp Genetics (formerly Invitae), Labcorp); PubMed 9536098 (cited by Labcorp Genetics (formerly Invitae), Labcorp); PubMed 30209399 (cited by Labcorp Genetics (formerly Invitae), Labcorp).

NM_007294.4(BRCA1):c.213-3C>G

Gene: BRCA1 (BRCA1 DNA repair associated; minus strand). Cytogenetic location: 17q21.31.
Variant type: single nucleotide variant.
Coding change: c.213-3C>G on transcript NM_007294.4 (MANE Select); 3 bases into the intron before coding-DNA position 213, C replaced by G.
Molecular consequence: intron variant.
Genome position (GRCh38, 1-based): chr17:43,104,959, G>C on the plus strand (C>G on the coding strand, the complement: BRCA1 is on the minus strand). VCF-style: chr17-43104959-G-C. GRCh37 (hg19) VCF-style: chr17-41256976-G-C.
Other names: IVS5-3C>G; c.72-3C>G (NM_001408458.1, NM_001407931.1, NM_001407747.1 and 99 more transcripts); c.-218-10099C>G (NM_001407967.1, NM_001407966.1); c.-169-3C>G (NM_001407959.1, NM_001407962.1, NM_001408512.1 and 4 more transcripts); c.3-3C>G (NM_001407885.1, NM_001407886.1, NM_001407898.1 and 58 more transcripts); c.213-3C>G (NM_001407686.1, NM_001408397.1, NM_001407632.1 and 167 more transcripts); c.81-3C>G (NM_001408451.1); c.135-3C>G (NM_001408475.1, NM_001407875.1, NM_001407659.1 and 21 more transcripts).
Identifiers: ClinVar variation 125616 (VCV000125616.15), dbSNP rs80358119, ClinGen allele CA001432.
Genomic context (GRCh38, chr17:43,104,959, plus strand): 5'-AATGATTTTCAATAGCTCTTCAACAAGTTGACTAAATCTCGTACTTTCTTGTAGGCTCCT[G>C]AAATTAAATTGTTTGAGAAACACACTCAGCAAGTGATTATCAACCTTTTAAGGACACTAA-3'